The following is an entry in ClinVar:

ClinVar aggregate classification (germline): Likely pathogenic (1 of 4 stars; one submission).

Conditions:
Corticosterone methyl oxidase type II deficiency.

gnomAD v4.1: 1 of 1,612,654 alleles (0.000062%); highest among the groups gnomAD compares: South Asian, 0.0011%; no homozygotes.

Submission:

Natera, Inc.
Classification: Likely pathogenic for Corticosterone methyl oxidase type II deficiency. Last evaluated: 2024-03-04. Review status: criteria provided, single submitter. Criteria: Natera Variant Classification Schema (03/2026). Collection method: clinical testing. Allele origin: germline.
Comment: The c.406G>T variant in CYP11B2 is a nonsense variant predicted to introduce a stop codon at amino acid 136. This variant is expected to result in nonsense mediated decay, truncation, or a dysfunctional protein product. This variant is rare in the general population with a frequency below the threshold expected for the associated phenotype(s). Given the available evidence, this variant is classified as Likely Pathogenic.

NM_000498.3(CYP11B2):c.406G>T (p.Glu136Ter)

Genes: CYP11B2 (cytochrome P450 family 11 subfamily B member 2; minus strand), LOC106799834 (CYP11B2 recombination region; plus strand). Cytogenetic location: 8q24.3.
Variant type: single nucleotide variant.
Coding change: c.406G>T on transcript NM_000498.3 (MANE Select); coding-DNA position 406, G replaced by T.
Protein change: p.Glu136Ter; replaces glutamic acid 136 with a stop codon.
Molecular consequence: nonsense.
Genome position (GRCh38, 1-based): chr8:142,915,235, C>A on the plus strand (G>T on the coding strand, the complement: CYP11B2 is on the minus strand). VCF-style: chr8-142915235-C-A. GRCh37 (hg19) VCF-style: chr8-143996651-C-A.
Other names: short protein forms E136*.
Identifiers: ClinVar variation 4818606 (VCV004818606.1).